The following is an entry in ClinVar:

ClinVar aggregate classification (germline): Likely benign (1 of 4 stars; one submission).

Submission:

GeneDx
Classification: Likely benign. Last evaluated: 2023-05-15. Review status: criteria provided, single submitter. Criteria: GeneDx Variant Classification Process June 2021. Collection method: clinical testing. Allele origin: germline. Affected: yes.
Comment: See Variant Classification Assertion Criteria.

NM_006059.4(LAMC3):c.2891-94AACCCAGCACGCACTGCCCCTGGCCCCTCTA[4]

Gene: LAMC3 (laminin subunit gamma 3; plus strand). Cytogenetic location: 9q34.12.
Variant type: Microsatellite.
Coding change: c.2891-94AACCCAGCACGCACTGCCCCTGGCCCCTCTA[4] on transcript NM_006059.4 (MANE Select); four copies in a row of the 31-base unit AACCCAGCACGCACTGCCCCTGGCCCCTCTA starting at c.2891-94; the reference has three copies in a row; one copy, 31 bases duplicated.
Molecular consequence: splice acceptor variant.
Genome position (GRCh38, 1-based): chr9:131,069,640-131,069,670, 31 bases duplicated; duplicating any 31 consecutive bases within chr9:131,069,578-131,069,670 gives the same sequence; the position shown is the placement nearest the transcript's 3' end. GRCh37 (hg19), VCF-style position (the base before the change): chr9:133,944,964.
Identifiers: ClinVar variation 508225 (VCV000508225.5), dbSNP rs1249538555, ClinGen allele CA590945872.